The following is an entry in ClinVar:

ClinVar aggregate classification (germline): Uncertain significance (1 of 4 stars; one submission).

gnomAD v4.1: 13 of 1,613,854 alleles (0.00081%); highest among the groups gnomAD compares: African/African-American, 0.017%; no homozygotes.

Submission:

Labcorp Genetics (formerly Invitae), Labcorp
Classification: Uncertain significance. Last evaluated: 2025-01-27. Review status: criteria provided, single submitter. Criteria: Invitae Variant Classification Sherloc (09022015). Collection method: clinical testing. Allele origin: germline.
Comment: This sequence change affects codon 285 of the MATN3 mRNA. It is a 'silent' change, meaning that it does not change the encoded amino acid sequence of the MATN3 protein. This variant is present in population databases (rs370230700, gnomAD 0.02%). This variant has not been reported in the literature in individuals affected with MATN3-related conditions. Algorithms developed to predict the effect of sequence changes on RNA splicing suggest that this variant may disrupt the consensus splice site. In summary, the available evidence is currently insufficient to determine the role of this variant in disease. Therefore, it has been classified as a Variant of Uncertain Significance.

NM_002381.5(MATN3):c.855C>T (p.Gly285=)

Genes: MATN3 (matrilin 3; minus strand), WDR35-DT (WDR35 divergent transcript; plus strand). Cytogenetic location: 2p24.1.
Variant type: single nucleotide variant.
Coding change: c.855C>T on transcript NM_002381.5 (MANE Select); coding-DNA position 855, C replaced by T.
Protein change: p.Gly285=; no amino-acid change (glycine 285 retained).
Molecular consequence: synonymous variant.
Genome position (GRCh38, 1-based): chr2:20,003,222, G>A on the plus strand (C>T on the coding strand, the complement: MATN3 is on the minus strand). VCF-style: chr2-20003222-G-A. GRCh37 (hg19) VCF-style: chr2-20202983-G-A.
Identifiers: ClinVar variation 3694512 (VCV003694512.2).